The following is an entry in ClinVar:

NM_000535.7(PMS2):c.1643A>C (p.Asp548Ala)

Gene: PMS2 (PMS1 homolog 2, mismatch repair system component; minus strand). Cytogenetic location: 7p22.1.
Variant type: single nucleotide variant.
Coding change: c.1643A>C on transcript NM_000535.7 (MANE Select); coding-DNA position 1643, A replaced by C.
Protein change: p.Asp548Ala; replaces aspartic acid 548 with alanine.
Molecular consequence: missense variant. On other transcripts: non-coding transcript variant (1).
Genome position (GRCh38, 1-based): chr7:5,987,122, T>G on the plus strand (A>C on the coding strand, the complement: PMS2 is on the minus strand). VCF-style: chr7-5987122-T-G. GRCh37 (hg19) VCF-style: chr7-6026753-T-G.
Other names: c.1238A>C, p.Asp413Ala (NM_001322003.2, NM_001322004.2, NM_001322005.2 and 1 more transcripts); c.1487A>C, p.Asp496Ala (NM_001322006.2); c.1325A>C, p.Asp442Ala (NM_001322007.2, NM_001322008.2); c.1082A>C, p.Asp361Ala (NM_001322010.2); c.710A>C, p.Asp237Ala (NM_001322011.2, NM_001322012.2); c.1070A>C, p.Asp357Ala (NM_001322013.2); c.1643A>C, p.Asp548Ala (NM_001322014.2); c.1334A>C, p.Asp445Ala (NM_001322015.2); short protein forms D237A, D357A, D361A, D413A, D442A, D445A, D496A, D548A.
Identifiers: ClinVar variation 1315823 (VCV001315823.10), dbSNP rs1269515306, ClinGen allele CA366741414.

ClinVar aggregate classification (germline): Uncertain significance. Review status: criteria provided, multiple submitters, no conflicts (2 of 4 stars). 3 submissions from 3 submitters: Uncertain significance (3). Last evaluated 2026-10-08.

Conditions:
Hereditary nonpolyposis colorectal neoplasms. Identifiers: MedGen C0009405, MeSH D003123.
Hereditary cancer-predisposing syndrome. Also called: Neoplastic Syndromes, Hereditary; Tumor predisposition; Hereditary Cancer Syndrome; Hereditary neoplastic syndrome. Identifiers: Orphanet 140162, MedGen C0027672, MeSH D009386, MONDO:0015356.

Allele frequency attached by ClinVar (database versions not stated): TOPMed below 0.00001.

Submissions (3):

GeneDx
Classification: Uncertain significance. Last evaluated: 2026-10-08. Review status: criteria provided, single submitter. Criteria: GeneDx Variant Classification Process June 2021. Collection method: clinical testing. Allele origin: germline.
Comment: Not observed at significant frequency in large population cohorts (gnomAD); In silico analysis suggests that this missense variant does not alter protein structure/function; Has not been previously published as pathogenic or benign to our knowledge

Ambry Genetics
Classification: Uncertain significance for Hereditary cancer-predisposing syndrome. Last evaluated: 2026-07-07. Review status: criteria provided, single submitter. Criteria: Ambry Variant Classification Scheme 2023. Collection method: clinical testing. Allele origin: germline.
Comment: The p.D548A variant (also known as c.1643A>C), located in coding exon 11 of the PMS2 gene, results from an A to C substitution at nucleotide position 1643. The aspartic acid at codon 548 is replaced by alanine, an amino acid with dissimilar properties. This amino acid position is conserved. In addition, this alteration is predicted to be tolerated by in silico analysis. Based on the available evidence, the clinical significance of this variant remains unclear.

Labcorp Genetics (formerly Invitae), Labcorp
Classification: Uncertain significance for Hereditary nonpolyposis colorectal neoplasms. Last evaluated: 2024-04-26. Review status: criteria provided, single submitter. Criteria: Invitae Variant Classification Sherloc (09022015). Collection method: clinical testing. Allele origin: germline.
Comment: This sequence change replaces aspartic acid, which is acidic and polar, with alanine, which is neutral and non-polar, at codon 548 of the PMS2 protein (p.Asp548Ala). This variant is not present in population databases (gnomAD no frequency). This variant has not been reported in the literature in individuals affected with PMS2-related conditions. ClinVar contains an entry for this variant (Variation ID: 1315823). Advanced modeling of protein sequence and biophysical properties (such as structural, functional, and spatial information, amino acid conservation, physicochemical variation, residue mobility, and thermodynamic stability) performed at Invitae indicates that this missense variant is not expected to disrupt PMS2 protein function with a negative predictive value of 80%. In summary, the available evidence is currently insufficient to determine the role of this variant in disease. Therefore, it has been classified as a Variant of Uncertain Significance.